The following is an entry in ClinVar:

NM_138576.4(BCL11B):c.785G>A (p.Arg262Gln)

Gene: BCL11B (BCL11 transcription factor B; minus strand). Cytogenetic location: 14q32.2.
Variant type: single nucleotide variant.
Coding change: c.785G>A on transcript NM_138576.4 (MANE Select); coding-DNA position 785, G replaced by A.
Protein change: p.Arg262Gln; replaces arginine 262 with glutamine.
Molecular consequence: missense variant.
Genome position (GRCh38, 1-based): chr14:99,176,051, C>T on the plus strand (G>A on the coding strand, the complement: BCL11B is on the minus strand). VCF-style: chr14-99176051-C-T. GRCh37 (hg19) VCF-style: chr14-99642388-C-T.
Other names: c.782G>A, p.Arg261Gln (NM_001282237.2); c.569G>A, p.Arg190Gln (NM_001282238.2); c.572G>A, p.Arg191Gln (NM_022898.3); short protein forms R262Q, R191Q, R190Q, R261Q.
Identifiers: ClinVar variation 1029134 (VCV001029134.6), dbSNP rs1886516216, ClinGen allele CA390936776.
Genomic context (GRCh38, chr14:99,176,051, plus strand): 5'-AAATTCATGAGCGGGGACTGCGCCACGGCCTCCGGCCCGAGCGGCGGCGGGATGGTGAGC[C>T]GCGGCGTGAGCGAGCTGCTGGCCGGCCCGGGCTCCAGGTAGATGCGGAAGCCGTGCGTGT-3'
Protein context (NP_612808.1, residues 252-272): PGPASSSLTP[Arg262Gln]LTIPPPLGPE

ClinVar aggregate classification (germline): Conflicting classifications of pathogenicity. Review status: criteria provided, conflicting classifications (1 of 4 stars). 3 submissions from 2 submitters: Likely pathogenic (1); Uncertain significance (1). 1 of the submissions does not count toward it. Last evaluated 2022-07-05.

Conditions:
Intellectual developmental disorder with speech delay, dysmorphic facies, and t-cell abnormalities. Also called: BCL11B-related BAFopathy. Identifiers: Orphanet 662829, MedGen C4748152, MONDO:0060763, OMIM 618092.

Allele frequency attached by ClinVar (database versions not stated): gnomAD exomes below 0.00001.
gnomAD v4.1: 4 of 1,597,514 alleles (0.00025%); highest among the groups gnomAD compares: Non-Finnish European, 0.00034%; no homozygotes.

Submissions (3):

Labcorp Genetics (formerly Invitae), Labcorp
Classification: Uncertain significance. Last evaluated: 2022-07-05. Review status: criteria provided, single submitter. Criteria: Invitae Variant Classification Sherloc (09022015). Collection method: clinical testing. Allele origin: germline.
Comment: This sequence change replaces arginine, which is basic and polar, with glutamine, which is neutral and polar, at codon 262 of the BCL11B protein (p.Arg262Gln). This variant is not present in population databases (gnomAD no frequency). This variant has not been reported in the literature in individuals affected with BCL11B-related conditions. Algorithms developed to predict the effect of missense changes on protein structure and function are either unavailable or do not agree on the potential impact of this missense change (SIFT: "Deleterious"; PolyPhen-2: "Probably Damaging"; Align-GVGD: "Class C0"). Algorithms developed to predict the effect of sequence changes on RNA splicing suggest that this variant may create or strengthen a splice site. In summary, the available evidence is currently insufficient to determine the role of this variant in disease. Therefore, it has been classified as a Variant of Uncertain Significance.

Baylor Genetics
Classification: Likely pathogenic for BCL11B-related BAFopathy. Last evaluated: 2021-06-10. Review status: criteria provided, single submitter. Criteria: ACMG Guidelines, 2015. Collection method: clinical testing. Allele origin: de novo. Affected: yes.

Baylor Genetics
Classification: Likely pathogenic for Intellectual developmental disorder with speech delay, dysmorphic facies, and t-cell abnormalities. Last evaluated: 2020-02-04. Review status: flagged submission. Criteria: ACMG Guidelines, 2015. Collection method: clinical testing. Allele origin: unknown. Affected: yes. Not counted in ClinVar's aggregate classification.
Comment: This variant was determined to be likely pathogenic according to ACMG Guidelines, 2015 [PMID:25741868].
ClinVar note: Reason: This record appears to be redundant with a more recent record from the same submitter.
ClinVar note: Notes: SCV001522008 appears to be redundant with SCV001748912.